The following is an entry in ClinVar:

ClinVar aggregate classification (germline): Uncertain significance (1 of 4 stars; one submission).

Conditions:
Neuropathy, hereditary sensory, type 2C. Also called: Hereditary sensory and autonomic neuropathy type IIC; KIF1A-Related HSAN2 (HSAN2C). Identifiers: Orphanet 970, MedGen C3280168, MONDO:0013634, OMIM 614213.
Intellectual disability, autosomal dominant 9 (NESCAVS). Also called: NESCAV SYNDROME; KIF1A-Related Neurodevelopmental Disorder. Identifiers: Orphanet 662367, MedGen C5393830, MONDO:0013656, OMIM 614255.
Hereditary spastic paraplegia 30. Identifiers: Orphanet 101010, MedGen C5235139, MONDO:0012476.

Allele frequency attached by ClinVar (database versions not stated): gnomAD exomes below 0.00001.
gnomAD v4.1: 2 of 1,612,386 alleles (0.00012%); highest among the groups gnomAD compares: Non-Finnish European, 0.00017%; no homozygotes.

Submission:

Labcorp Genetics (formerly Invitae), Labcorp
Classification: Uncertain significance for Hereditary spastic paraplegia 30; Neuropathy, hereditary sensory, type 2C; Intellectual disability, autosomal dominant 9. Last evaluated: 2024-05-20. Review status: criteria provided, single submitter. Criteria: Invitae Variant Classification Sherloc (09022015). Collection method: clinical testing. Allele origin: germline.
Comment: This sequence change replaces cysteine, which is neutral and slightly polar, with glycine, which is neutral and non-polar, at codon 1277 of the KIF1A protein (p.Cys1277Gly). This variant is not present in population databases (gnomAD no frequency). This variant has not been reported in the literature in individuals affected with KIF1A-related conditions. ClinVar contains an entry for this variant (Variation ID: 2149552). Advanced modeling of protein sequence and biophysical properties (such as structural, functional, and spatial information, amino acid conservation, physicochemical variation, residue mobility, and thermodynamic stability) performed at Invitae indicates that this missense variant is not expected to disrupt KIF1A protein function with a negative predictive value of 95%. In summary, the available evidence is currently insufficient to determine the role of this variant in disease. Therefore, it has been classified as a Variant of Uncertain Significance.

NM_001244008.2(KIF1A):c.4132T>G (p.Cys1378Gly)

Gene: KIF1A (kinesin family member 1A; minus strand). Cytogenetic location: 2q37.3.
Variant type: single nucleotide variant.
Coding change: c.4132T>G on transcript NM_001244008.2 (MANE Select); coding-DNA position 4132, T replaced by G.
Protein change: p.Cys1378Gly; replaces cysteine 1378 with glycine.
Molecular consequence: missense variant.
Genome position (GRCh38, 1-based): chr2:240,725,395, A>C on the plus strand (T>G on the coding strand, the complement: KIF1A is on the minus strand). VCF-style: chr2-240725395-A-C. GRCh37 (hg19) VCF-style: chr2-241664812-A-C.
Other names: c.3856T>G, p.Cys1286Gly (NM_001320705.2, NM_001379649.1); c.3883T>G, p.Cys1295Gly (NM_001330289.2); c.3931T>G, p.Cys1311Gly (NM_001330290.2, NM_001379648.1); c.4207T>G, p.Cys1403Gly (NM_001379631.1); c.4108T>G, p.Cys1370Gly (NM_001379632.1); c.4105T>G, p.Cys1369Gly (NM_001379633.1, NM_001379645.1); c.3958T>G, p.Cys1320Gly (NM_001379634.1); c.3955T>G, p.Cys1319Gly (NM_001379635.1, NM_001379646.1); and 7 more; short protein forms C1294G, C1302G, C1369G, C1277G, C1286G, C1295G, C1319G, C1370G.
Identifiers: ClinVar variation 2149552 (VCV002149552.4), dbSNP rs2536777234, ClinGen allele CA351308346.